The following is an entry in ClinVar:

NM_005228.5(EGFR):c.81A>T (p.Glu27Asp)

Gene: EGFR (epidermal growth factor receptor; plus strand). Cytogenetic location: 7p11.2.
Variant type: single nucleotide variant.
Coding change: c.81A>T on transcript NM_005228.5 (MANE Select); coding-DNA position 81, A replaced by T.
Protein change: p.Glu27Asp; replaces glutamic acid 27 with aspartic acid.
Molecular consequence: missense variant.
Genome position (GRCh38, 1-based): chr7:55,019,358, A>T. VCF-style: chr7-55019358-A-T. GRCh37 (hg19) VCF-style: chr7-55087051-A-T.
Other names: c.81A>T, p.Glu27Asp (NM_001346897.2, NM_001346898.2, NM_001346899.2 and 4 more transcripts); short protein forms E27D.
Identifiers: ClinVar variation 4639504 (VCV004639504.1).

ClinVar aggregate classification (germline): Uncertain significance (1 of 4 stars; one submission).

Conditions:
Hereditary cancer-predisposing syndrome. Also called: Neoplastic Syndromes, Hereditary; Tumor predisposition; Hereditary Cancer Syndrome; Hereditary neoplastic syndrome. Identifiers: Orphanet 140162, MedGen C0027672, MeSH D009386, MONDO:0015356.

Submission:

Ambry Genetics
Classification: Uncertain significance for Hereditary cancer-predisposing syndrome. Last evaluated: 2025-11-11. Review status: criteria provided, single submitter. Criteria: Ambry Variant Classification Scheme 2023. Collection method: clinical testing. Allele origin: germline.
Comment: The p.E27D variant (also known as c.81A>T), located in coding exon 1 of the EGFR gene, results from an A to T substitution at nucleotide position 81. The glutamic acid at codon 27 is replaced by aspartic acid, an amino acid with highly similar properties. This amino acid position is conserved. In addition, this alteration is predicted to be tolerated by in silico analysis. Based on the available evidence, the clinical significance of this variant remains unclear.